The following is an entry in ClinVar:

ClinVar aggregate classification (germline): Pathogenic. Review status: reviewed by expert panel (3 of 4 stars). 4 submissions from 4 submitters: Pathogenic (1). 3 of the submissions do not count toward it. Last evaluated 2016-09-08.

Conditions:
Hereditary breast ovarian cancer syndrome. Also called: Hereditary breast and ovarian cancer syndrome (HBOC); Hereditary breast and ovarian cancer syndrome; Hereditary breast and ovarian cancer; Hereditary breast and/or ovarian cancer syndrome; Breast and ovarian cancer; BRCA1- and BRCA2-Associated Hereditary Breast and Ovarian Cancer. Identifiers: Orphanet 145, MedGen C0677776, MeSH D061325, MONDO:0003582. Disease mechanism: loss of function.
Breast-ovarian cancer, familial, susceptibility to, 1 (BROVCA1). Also called: OVARIAN CANCER, SUSCEPTIBILITY TO; BRCA1 Hereditary Breast and Ovarian Cancer. Identifiers: Orphanet 145, MedGen C2676676, MONDO:0011450, OMIM 604370. Disease mechanism: loss of function.

Submissions (4):

Evidence-based Network for the Interpretation of Germline Mutant Alleles (ENIGMA)
Classification: Pathogenic for Breast-ovarian cancer, familial, susceptibility to, 1. Last evaluated: 2016-09-08. Review status: reviewed by expert panel. Criteria: ENIGMA BRCA1/2 Classification Criteria (2015). Collection method: curation. Allele origin: germline.
Comment: Variant allele predicted to encode a truncated non-functional protein.

Women's Health and Genetics/Laboratory Corporation of America, LabCorp
Classification: Pathogenic for Hereditary breast ovarian cancer syndrome. Last evaluated: 2024-03-18. Review status: criteria provided, single submitter. Criteria: LabCorp Variant Classification Summary - May 2015. Collection method: clinical testing. Allele origin: germline. Not counted in ClinVar's aggregate classification.
Comment: Variant summary: BRCA1 c.2236dupG (p.Asp746GlyfsX16) results in a premature termination codon, predicted to cause a truncation of the encoded protein or absence of the protein due to nonsense mediated decay, which are commonly known mechanisms for disease. The variant was absent in 251160 control chromosomes. c.2236dupG has been reported in the literature in individuals at high risk for Hereditary Breast And Ovarian Cancer Syndrome (van der Hout_2006). To our knowledge, no experimental evidence demonstrating an impact on protein function has been reported. The following publication have been ascertained in the context of this evaluation (PMID: 16683254). ClinVar contains an entry for this variant (Variation ID: 54509). Based on the evidence outlined above, the variant was classified as pathogenic.

Labcorp Genetics (formerly Invitae), Labcorp
Classification: Pathogenic for Hereditary breast ovarian cancer syndrome. Last evaluated: 2023-08-14. Review status: criteria provided, single submitter. Criteria: Invitae Variant Classification Sherloc (09022015). Collection method: clinical testing. Allele origin: germline. Not counted in ClinVar's aggregate classification.
Comment: This premature translational stop signal has been observed in individual(s) with breast and/or ovarian cancer (PMID: 16683254). ClinVar contains an entry for this variant (Variation ID: 54509). For these reasons, this variant has been classified as Pathogenic. This variant is not present in population databases (gnomAD no frequency). This sequence change creates a premature translational stop signal (p.Asp746Glyfs*16) in the BRCA1 gene. It is expected to result in an absent or disrupted protein product. Loss-of-function variants in BRCA1 are known to be pathogenic (PMID: 20104584).

Breast Cancer Information Core (BIC) (BRCA1)
Classification: Pathogenic for Breast-ovarian cancer, familial 1. Last evaluated: 2002-05-29. Review status: no assertion criteria provided. Collection method: clinical testing. Allele origin: germline. Affected: yes. Observed: 1 variant allele. Not counted in ClinVar's aggregate classification.

Literature cited by the submitters: PubMed 16683254 (cited by Women's Health and Genetics/Laboratory Corporation of America, LabCorp and Labcorp Genetics (formerly Invitae), Labcorp); PubMed 20104584 (cited by Labcorp Genetics (formerly Invitae), Labcorp).

NM_007294.4(BRCA1):c.2236dup (p.Asp746fs)

Gene: BRCA1 (BRCA1 DNA repair associated; minus strand). Cytogenetic location: 17q21.31.
Variant type: Duplication.
Coding change: c.2236dup on transcript NM_007294.4 (MANE Select); coding-DNA position 2236, one base duplicated (G; older notation c.2236dupG).
Protein change: p.Asp746fs; shifts the reading frame from aspartic acid 746.
Molecular consequence: frameshift variant. On other transcripts: intron variant (137).
Genome position (GRCh38, 1-based): chr17:43,093,295, C duplicated on the plus strand (G on the coding strand, the reverse complement: BRCA1 is on the minus strand). VCF-style (leftmost placement, unchanged base first): chr17-43093294-T-TC. GRCh37 (hg19) VCF-style: chr17-41245311-T-TC.
Other names: 2355insG; c.2236dupG (NM_007294.3); c.784+1449dup (NM_001407985.1, NM_001407991.1, NM_001408407.1 and 13 more transcripts); c.548-2263dup (NM_001408494.1); c.664+1449dup (NM_001408444.1, NM_001408438.1, NM_001408430.1 and 12 more transcripts); c.671-2263dup (NM_001408423.1, NM_001408420.1, NM_001408419.1 and 2 more transcripts); c.787+1449dup (NM_001408404.1, NM_001408472.1, NM_001407990.1 and 17 more transcripts); c.788-1156dup (NM_001407969.1, NM_001407968.1); and 43 more; short protein forms D699fs, D746fs, D450fs, D578fs, D618fs, D657fs, D676fs, D678fs.
Identifiers: ClinVar variation 54509 (VCV000054509.8), dbSNP rs80357909, ClinGen allele CA001497.